The following is an entry in ClinVar:

ClinVar aggregate classification (germline): Conflicting classifications of pathogenicity. Review status: criteria provided, conflicting classifications (1 of 4 stars). 9 submissions from 6 submitters: Uncertain significance (1); Benign (2); Likely benign (5). 1 of the submissions does not count toward it. Last evaluated 2026-01-02.

Conditions:
Congenital myopathy 18. Also called: DIHYDROPYRIDINE RECEPTOR CONGENITAL MYOPATHY; DHPR CONGENITAL MYOPATHY; Myopathy, congenital, due to dihydropyridine receptor defect. Identifiers: MedGen C5830283, MONDO:0859514, OMIM 620246.
Hypokalemic periodic paralysis, type 1. Also called: Hypokalemic Periodic Paralysis Type 1 (AD); HypoPP. Identifiers: Orphanet 681, MedGen C3714580, MONDO:0042979, OMIM 170400.
Malignant hyperthermia, susceptibility to, 5 (MHS5). Also called: CACNA1S-Related Malignant Hyperthermia Susceptibility. Identifiers: Orphanet 423, MedGen C1866077, MONDO:0011163, OMIM 601887.
CACNA1S-related disorder. Also called: CACNA1S-related condition.
Thyrotoxic periodic paralysis, susceptibility to, 1 (TTPP1). Identifiers: Orphanet 79102, MedGen C2749982, MONDO:0008570, OMIM 188580.

Allele frequency attached by ClinVar (database versions not stated): gnomAD exomes 0.00007 and 0.00009; ExAC 0.00013; ESP Exome Variant Server 0.00015; gnomAD 0.00021; TOPMed 0.00023; 1000 Genomes Project 30x 0.00031; 1000 Genomes Project 0.00040.
gnomAD v4.1: 131 of 1,591,108 alleles (0.0082%); highest among the groups gnomAD compares: African/African-American, 0.062%; no homozygotes.

Submissions (9):

Labcorp Genetics (formerly Invitae), Labcorp
Classification: Likely benign for Hypokalemic periodic paralysis, type 1; Malignant hyperthermia, susceptibility to, 5. Last evaluated: 2026-01-02. Review status: criteria provided, single submitter. Criteria: Invitae Variant Classification Sherloc (09022015). Collection method: clinical testing. Allele origin: germline.

GeneDx
Classification: Uncertain significance. Last evaluated: 2024-02-26. Review status: criteria provided, single submitter. Criteria: GeneDx Variant Classification Process June 2021. Collection method: clinical testing. Allele origin: germline. Affected: yes.
Comment: Has not been previously published as pathogenic or benign to our knowledge; In silico analysis suggests this variant may impact gene splicing. In the absence of RNA/functional studies, the actual effect of this sequence change is unknown.

Genome-Nilou Lab
Classification: Likely benign for Malignant hyperthermia, susceptibility to, 5. Last evaluated: 2023-04-11. Review status: criteria provided, single submitter. Criteria: ACMG Guidelines, 2015. Collection method: clinical testing. Allele origin: germline. Affected: no.

Genome-Nilou Lab
Classification: Likely benign for Thyrotoxic periodic paralysis, susceptibility to, 1. Last evaluated: 2023-04-11. Review status: criteria provided, single submitter. Criteria: ACMG Guidelines, 2015. Collection method: clinical testing. Allele origin: germline. Affected: no.

Genome-Nilou Lab
Classification: Likely benign for Congenital myopathy 18. Last evaluated: 2023-04-11. Review status: criteria provided, single submitter. Criteria: ACMG Guidelines, 2015. Collection method: clinical testing. Allele origin: germline. Affected: no.

Genome-Nilou Lab
Classification: Likely benign for Hypokalemic periodic paralysis, type 1. Last evaluated: 2023-04-11. Review status: criteria provided, single submitter. Criteria: ACMG Guidelines, 2015. Collection method: clinical testing. Allele origin: germline. Affected: no.

Color Diagnostics, LLC DBA Color Health
Classification: Benign for Malignant hyperthermia, susceptibility to, 5. Last evaluated: 2023-02-03. Review status: criteria provided, single submitter. Criteria: ACMG Guidelines, 2015. Collection method: clinical testing. Allele origin: germline.

Illumina Laboratory Services, Illumina
Classification: Benign for Hypokalemic periodic paralysis, type 1. Last evaluated: 2018-01-13. Review status: criteria provided, single submitter. Criteria: ICSL Variant Classification Criteria 13 December 2019. Collection method: clinical testing. Allele origin: germline.
Comment: This variant was observed in the ICSL laboratory as part of a predisposition screen in an ostensibly healthy population. It had not been previously curated by ICSL or reported in the Human Gene Mutation Database (HGMD: prior to June 1st, 2018), and was therefore a candidate for classification through an automated scoring system. Utilizing variant allele frequency, disease prevalence and penetrance estimates, and inheritance mode, an automated score was calculated to assess if this variant is too frequent to cause the disease. Based on the score and internal cut-off values, a variant classified as benign is not then subjected to further curation. The score for this variant resulted in a classification of benign for this disease.

PreventionGenetics, part of Exact Sciences
Classification: Likely benign for CACNA1S-related condition. Last evaluated: 2019-07-03. Review status: no assertion criteria provided. Collection method: clinical testing. Allele origin: germline. Not counted in ClinVar's aggregate classification.
Comment: This variant is classified as likely benign based on ACMG/AMP sequence variant interpretation guidelines (Richards et al. 2015 PMID: 25741868, with internal and published modifications).

NM_000069.3(CACNA1S):c.1949-7C>T

Gene: CACNA1S (calcium voltage-gated channel subunit alpha1 S; minus strand). Cytogenetic location: 1q32.1.
Variant type: single nucleotide variant.
Coding change: c.1949-7C>T on transcript NM_000069.3 (MANE Select); 7 bases into the intron before coding-DNA position 1949, C replaced by T.
Molecular consequence: intron variant.
Genome position (GRCh38, 1-based): chr1:201,074,627, G>A on the plus strand (C>T on the coding strand, the complement: CACNA1S is on the minus strand). VCF-style: chr1-201074627-G-A. GRCh37 (hg19) VCF-style: chr1-201043755-G-A.
Identifiers: ClinVar variation 294750 (VCV000294750.19), dbSNP rs368564115, ClinGen allele CA078725.
Genomic context (GRCh38, chr1:201,074,627, plus strand): 5'-CCGCCTCGGCCAGGTTGTCCACGGCAATGGCCAGGAAGACATTGAGCAGGATGTCTGAGC[G>A]GGTTTAGCTAAGGAGCCTTTGGTTGTAGGTGGAAGGGAGCCTGCAGGGCAGGAGTTCTGT-3'